The following is an entry in ClinVar:

ClinVar aggregate classification (germline): Uncertain significance (1 of 4 stars; one submission).

Conditions:
Primary ciliary dyskinesia. Also called: Ciliary dyskinesia. Identifiers: Orphanet 244, MedGen C0008780, MONDO:0016575, HP:0012265.

Allele frequency attached by ClinVar (database versions not stated): gnomAD 0.00001; TOPMed 0.00001.
gnomAD v4.1: 5 of 1,609,722 alleles (0.00031%); highest among the groups gnomAD compares: Non-Finnish European, 0.00042%; no homozygotes.

Submission:

Labcorp Genetics (formerly Invitae), Labcorp
Classification: Uncertain significance for Primary ciliary dyskinesia. Last evaluated: 2021-09-01. Review status: criteria provided, single submitter. Criteria: Invitae Variant Classification Sherloc (09022015). Collection method: clinical testing. Allele origin: germline.
Comment: This sequence change replaces isoleucine with valine at codon 3834 of the DNAH11 protein (p.Ile3834Val). The isoleucine residue is moderately conserved and there is a small physicochemical difference between isoleucine and valine. This variant is not present in population databases (ExAC no frequency). This variant has not been reported in the literature in individuals affected with DNAH11-related conditions. Algorithms developed to predict the effect of missense changes on protein structure and function output the following: SIFT: "Tolerated"; PolyPhen-2: "Benign"; Align-GVGD: "Class C0". The valine amino acid residue is found in multiple mammalian species, which suggests that this missense change does not adversely affect protein function. In summary, the available evidence is currently insufficient to determine the role of this variant in disease. Therefore, it has been classified as a Variant of Uncertain Significance.

NM_001277115.2(DNAH11):c.11500A>G (p.Ile3834Val)

Gene: DNAH11 (dynein axonemal heavy chain 11; plus strand). Cytogenetic location: 7p15.3.
Variant type: single nucleotide variant.
Coding change: c.11500A>G on transcript NM_001277115.2 (MANE Select); coding-DNA position 11500, A replaced by G.
Protein change: p.Ile3834Val; replaces isoleucine 3834 with valine.
Molecular consequence: missense variant.
Genome position (GRCh38, 1-based): chr7:21,866,473, A>G. VCF-style: chr7-21866473-A-G. GRCh37 (hg19) VCF-style: chr7-21906091-A-G.
Other names: short protein forms I3834V.
Identifiers: ClinVar variation 525347 (VCV000525347.6), dbSNP rs988953435, ClinGen allele CA155139613.